The following is an entry in ClinVar:

NM_000038.6(APC):c.2118G>T (p.Met706Ile)

Gene: APC (APC regulator of Wnt signaling pathway; plus strand). Cytogenetic location: 5q22.2.
Variant type: single nucleotide variant.
Coding change: c.2118G>T on transcript NM_000038.6 (MANE Select); coding-DNA position 2118, G replaced by T.
Protein change: p.Met706Ile; replaces methionine 706 with isoleucine.
Molecular consequence: missense variant.
Genome position (GRCh38, 1-based): chr5:112,837,712, G>T. VCF-style: chr5-112837712-G-T. GRCh37 (hg19) VCF-style: chr5-112173409-G-T.
Other names: c.2118G>T (NM_000038.5); c.2118G>T, p.Met706Ile (NM_001127510.3, NM_001354895.2); c.2064G>T, p.Met688Ile (NM_001127511.3); c.2172G>T, p.Met724Ile (NM_001354896.2); c.2148G>T, p.Met716Ile (NM_001354897.2); c.2043G>T, p.Met681Ile (NM_001354898.2); c.2034G>T, p.Met678Ile (NM_001354899.2); c.1995G>T, p.Met665Ile (NM_001354900.2); and 6 more; short protein forms M665I, M724I, M423I, M615I, M605I, M647I, M681I, M688I.
Identifiers: ClinVar variation 1499024 (VCV001499024.9), dbSNP rs2149861025, ClinGen allele CA16025961.

ClinVar aggregate classification (germline): Uncertain significance. Review status: criteria provided, multiple submitters, no conflicts (2 of 4 stars). 2 submissions from 2 submitters: Uncertain significance (2). Last evaluated 2025-12-09.

Conditions:
Hereditary cancer-predisposing syndrome. Also called: Tumor predisposition; Hereditary neoplastic syndrome; Neoplastic Syndromes, Hereditary; Hereditary Cancer Syndrome. Identifiers: Orphanet 140162, MedGen C0027672, MeSH D009386, MONDO:0015356.
Familial adenomatous polyposis 1 (FAP1). Also called: FAMILIAL ADENOMATOUS POLYPOSIS 1, ATTENUATED; POLYPOSIS, ADENOMATOUS INTESTINAL. Identifiers: MedGen C2713442, MONDO:0021056, OMIM 175100. Disease mechanism: loss of function.

Submissions (2):

Ambry Genetics
Classification: Uncertain significance for Hereditary cancer-predisposing syndrome. Last evaluated: 2025-12-09. Review status: criteria provided, single submitter. Criteria: Ambry Variant Classification Scheme 2023. Collection method: clinical testing. Allele origin: germline.
Comment: The p.M706I variant (also known as c.2118G>T), located in coding exon 15 of the APC gene, results from a G to T substitution at nucleotide position 2118. The methionine at codon 706 is replaced by isoleucine, an amino acid with highly similar properties. This amino acid position is conserved. In addition, in silico predictors for this gene do not accurately predict pathogenicity. Based on the available evidence, the clinical significance of this variant remains unclear.

Labcorp Genetics (formerly Invitae), Labcorp
Classification: Uncertain significance for Familial adenomatous polyposis 1. Last evaluated: 2025-07-25. Review status: criteria provided, single submitter. Criteria: Invitae Variant Classification Sherloc (09022015). Collection method: clinical testing. Allele origin: germline.
Comment: This sequence change replaces methionine, which is neutral and non-polar, with isoleucine, which is neutral and non-polar, at codon 706 of the APC protein (p.Met706Ile). This variant is not present in population databases (gnomAD no frequency). This variant has not been reported in the literature in individuals affected with APC-related conditions. ClinVar contains an entry for this variant (Variation ID: 1499024). Invitae Evidence Modeling of protein sequence and biophysical properties (such as structural, functional, and spatial information, amino acid conservation, physicochemical variation, residue mobility, and thermodynamic stability) indicates that this missense variant is not expected to disrupt APC protein function with a negative predictive value of 95%. In summary, the available evidence is currently insufficient to determine the role of this variant in disease. Therefore, it has been classified as a Variant of Uncertain Significance.